The following is an entry in ClinVar:

ClinVar aggregate classification (germline): Uncertain significance (1 of 4 stars; one submission).

Conditions:
Brugada syndrome. Also called: Sudden unexpected nocturnal death syndrome; Sudden unexplained nocturnal death syndrome; Sudden Unexplained Death Syndrome; Sudden Unexplained Nocturnal Death Syndrome (SUNDS). Identifiers: Orphanet 130, MedGen C1142166, MONDO:0015263.

gnomAD v4.1: 4 of 1,613,840 alleles (0.00025%); highest among the groups gnomAD compares: South Asian, 0.0022%; no homozygotes.

Submission:

Labcorp Genetics (formerly Invitae), Labcorp
Classification: Uncertain significance for Brugada syndrome. Last evaluated: 2025-12-20. Review status: criteria provided, single submitter. Criteria: Invitae Variant Classification Sherloc (09022015). Collection method: clinical testing. Allele origin: germline.
Comment: This sequence change replaces serine, which is neutral and polar, with glycine, which is neutral and non-polar, at codon 1166 of the SCN10A protein (p.Ser1166Gly). This variant is not present in population databases (gnomAD no frequency). This variant has not been reported in the literature in individuals affected with SCN10A-related conditions. Invitae Evidence Modeling of protein sequence and biophysical properties (such as structural, functional, and spatial information, amino acid conservation, physicochemical variation, residue mobility, and thermodynamic stability) indicates that this missense variant is expected to disrupt SCN10A protein function with a positive predictive value of 80%. In summary, the available evidence is currently insufficient to determine the role of this variant in disease. Therefore, it has been classified as a Variant of Uncertain Significance.

NM_006514.4(SCN10A):c.3496A>G (p.Ser1166Gly)

Genes: SCN10A (sodium voltage-gated channel alpha subunit 10; minus strand), LOC110121288 (VISTA enhancer hs2268; plus strand). Cytogenetic location: 3p22.2.
Variant type: single nucleotide variant.
Coding change: c.3496A>G on transcript NM_006514.4 (MANE Select); coding-DNA position 3496, A replaced by G.
Protein change: p.Ser1166Gly; replaces serine 1166 with glycine.
Molecular consequence: missense variant.
Genome position (GRCh38, 1-based): chr3:38,722,269, T>C on the plus strand (A>G on the coding strand, the complement: SCN10A is on the minus strand). VCF-style: chr3-38722269-T-C. GRCh37 (hg19) VCF-style: chr3-38763760-T-C.
Other names: c.3493A>G, p.Ser1165Gly (NM_001293306.2); c.3202A>G, p.Ser1068Gly (NM_001293307.2); short protein forms S1166G, S1165G, S1068G.
Identifiers: ClinVar variation 4711825 (VCV004711825.1).
Genomic context (GRCh38, chr3:38,722,269, plus strand): 5'-GAGATTCCTATCTGGAGGATTTGGGGGCAGGGACTATGCCTCCCCTTACCAGAGATCCAC[T>C]GCTGAGCAGGATCATGAAGATGATGAAGCTCTCAAACCAGCTGTGCTCCACGATACGGTA-3'
Protein context (NP_006505.4, residues 1156-1176): SFIIFMILLS[Ser1166Gly]GSLAFEDYYL